The following is an entry in ClinVar:

NM_030662.4(MAP2K2):c.578_580+9del

Gene: MAP2K2 (mitogen-activated protein kinase kinase 2; minus strand). Cytogenetic location: 19p13.3.
Variant type: Deletion.
Coding change: c.578_580+9del on transcript NM_030662.4 (MANE Select); coding-DNA position 578 through 9 bases into the intron after coding-DNA position 580, 12 bases deleted (GAGGTAAGGCCC).
Molecular consequence: splice donor variant.
Genome position (GRCh38, 1-based): chr19:4,101,220-4,101,231, GGGCCTTACCTC deleted on the plus strand (GAGGTAAGGCCC on the coding strand, the reverse complement: MAP2K2 is on the minus strand); deleting any 12 consecutive bases within chr19:4,101,220-4,101,233 gives the same sequence; the c. name uses the placement nearest the transcript's 3' end. VCF-style (leftmost placement, unchanged base first): chr19-4101219-TGGGCCTTACCTC-T. GRCh37 (hg19) VCF-style: chr19-4101217-TGGGCCTTACCTC-T.
Identifiers: ClinVar variation 2051554 (VCV002051554.4), dbSNP rs2512310501, ClinGen allele CA2576573381.

ClinVar aggregate classification (germline): Uncertain significance (1 of 4 stars; one submission).

Conditions:
RASopathy. Also called: Noonan spectrum disorder; rasopathies. Identifiers: Orphanet 536391, MedGen C5555857, MONDO:0021060.

Submission:

Labcorp Genetics (formerly Invitae), Labcorp
Classification: Uncertain significance for RASopathy. Last evaluated: 2022-02-23. Review status: criteria provided, single submitter. Criteria: Invitae Variant Classification Sherloc (09022015). Collection method: clinical testing. Allele origin: germline.
Comment: This variant has not been reported in the literature in individuals affected with MAP2K2-related conditions. Algorithms developed to predict the effect of sequence changes on RNA splicing suggest that this variant may disrupt the consensus splice site. In summary, the available evidence is currently insufficient to determine the role of this variant in disease. Therefore, it has been classified as a Variant of Uncertain Significance. This variant results in the deletion of part of exon 5 (c.578_580+9del) of the MAP2K2 gene. It is expected to disrupt RNA splicing. Variants that disrupt the donor or acceptor splice site typically lead to a loss of protein function (PMID: 16199547), however the current clinical and genetic evidence is not sufficient to establish whether loss-of-function variants in MAP2K2 cause disease. This variant is not present in population databases (gnomAD no frequency).

Literature cited by the submitters: PubMed 16199547.